The following is an entry in ClinVar:

ClinVar aggregate classification (germline): Uncertain significance. Review status: criteria provided, multiple submitters, no conflicts (2 of 4 stars). 2 submissions from 2 submitters: Uncertain significance (2). Last evaluated 2025-05-06.

Conditions:
Epidermolysis bullosa simplex 5B, with muscular dystrophy (EBS5B). Also called: Epidermolysis bullosa simplex with muscular dystrophy; EPIDERMOLYSIS BULLOSA SIMPLEX AND LIMB-GIRDLE MUSCULAR DYSTROPHY. Identifiers: Orphanet 257, MedGen C2931072, MONDO:0009181, OMIM 226670.
Epidermolysis bullosa simplex, Ogna type (EBS5A). Also called: Pidermolysis bullosa simplex 5A, Ogna type; EPIDERMOLYSIS BULLOSA SIMPLEX 5A, OGNA TYPE. Identifiers: Orphanet 79401, MedGen C0432317, MONDO:0007555, OMIM 131950.
Epidermolysis bullosa simplex with nail dystrophy (EBS5D). Identifiers: MedGen C4225309, MONDO:0014661, OMIM 616487.
Autosomal recessive limb-girdle muscular dystrophy type 2Q (LGMDR17). Also called: MUSCULAR DYSTROPHY, LIMB-GIRDLE, AUTOSOMAL RECESSIVE 17. Identifiers: Orphanet 254361, MedGen C3150989, MONDO:0013390, OMIM 613723.
Epidermolysis bullosa simplex 5C, with pyloric atresia (EBS5C). Also called: PLEC-Related Epidermolysis Bullosa with Pyloric Atresia; Epidermolysis bullosa simplex with pyloric atresia; PLEC1-Related Epidermolysis Bullosa with Pyloric Atresia. Identifiers: Orphanet 158684, MedGen C2677349, MONDO:0012807, OMIM 612138.

Allele frequency attached by ClinVar (database versions not stated): TOPMed 0.00001.
gnomAD v4.1: 14 of 1,613,176 alleles (0.00087%); highest among the groups gnomAD compares: South Asian, 0.0077%; no homozygotes.

Submissions (2):

Labcorp Genetics (formerly Invitae), Labcorp
Classification: Uncertain significance for Autosomal recessive limb-girdle muscular dystrophy type 2Q; Epidermolysis bullosa simplex, Ogna type; Epidermolysis bullosa simplex with nail dystrophy; Epidermolysis bullosa simplex 5C, with pyloric atresia; Epidermolysis bullosa simplex 5B, with muscular dystrophy. Last evaluated: 2025-05-06. Review status: criteria provided, single submitter. Criteria: Invitae Variant Classification Sherloc (09022015). Collection method: clinical testing. Allele origin: germline.
Comment: This sequence change replaces arginine, which is basic and polar, with leucine, which is neutral and non-polar, at codon 2446 of the PLEC protein (p.Arg2446Leu). This variant is present in population databases (rs554586153, gnomAD 0.003%). This variant has not been reported in the literature in individuals affected with PLEC-related conditions. ClinVar contains an entry for this variant (Variation ID: 598290). An algorithm developed to predict the effect of missense changes on protein structure and function outputs the following: PolyPhen-2: "Benign". The leucine amino acid residue is found in multiple mammalian species, which suggests that this missense change does not adversely affect protein function. In summary, the available evidence is currently insufficient to determine the role of this variant in disease. Therefore, it has been classified as a Variant of Uncertain Significance.

Eurofins Ntd Llc (ga)
Classification: Uncertain significance. Last evaluated: 2018-08-10. Review status: criteria provided, single submitter. Criteria: EGL ClinVar v180209 classification definitions. Collection method: clinical testing. Allele origin: germline. Observed: 1 variant allele, 1 heterozygote.

NM_201384.3(PLEC):c.7256G>T (p.Arg2419Leu)

Gene: PLEC (plectin; minus strand). Cytogenetic location: 8q24.3.
Variant type: single nucleotide variant.
Coding change: c.7256G>T on transcript NM_201384.3 (MANE Select); coding-DNA position 7256, G replaced by T.
Protein change: p.Arg2419Leu; replaces arginine 2419 with leucine.
Molecular consequence: missense variant.
Genome position (GRCh38, 1-based): chr8:143,922,673, C>A on the plus strand (G>T on the coding strand, the complement: PLEC is on the minus strand). VCF-style: chr8-143922673-C-A. GRCh37 (hg19) VCF-style: chr8-144996841-C-A.
Other names: c.7337G>T, p.Arg2446Leu (NM_000445.5); c.7214G>T, p.Arg2405Leu (NM_201378.4); c.7190G>T, p.Arg2397Leu (NM_201379.3); c.7667G>T, p.Arg2556Leu (NM_201380.4); c.7160G>T, p.Arg2387Leu (NM_201381.3); c.7256G>T, p.Arg2419Leu (NM_201382.4); c.7268G>T, p.Arg2423Leu (NM_201383.3); short protein forms R2405L, R2419L, R2423L, R2446L, R2556L, R2387L, R2397L.
Identifiers: ClinVar variation 598290 (VCV000598290.6), dbSNP rs554586153, ClinGen allele CA4925709.